The following is an entry in ClinVar:

ClinVar aggregate classification (germline): Uncertain significance (1 of 4 stars; one submission).

Conditions:
Hereditary cancer-predisposing syndrome. Also called: Neoplastic Syndromes, Hereditary; Tumor predisposition; Hereditary Cancer Syndrome; Hereditary neoplastic syndrome. Identifiers: Orphanet 140162, MedGen C0027672, MeSH D009386, MONDO:0015356.

Submission:

Ambry Genetics
Classification: Uncertain significance for Hereditary cancer-predisposing syndrome. Last evaluated: 2020-09-18. Review status: criteria provided, single submitter. Criteria: Ambry Variant Classification Scheme 2023. Collection method: clinical testing. Allele origin: germline.
Comment: The c.3450+2T>C intronic variant results from a T to C substitution two nucleotides after coding exon 21 in the ALK gene. This nucleotide position is highly conserved in available vertebrate species. In silico splice site analysis predicts that this alteration will weaken the native splice donor site. Alterations that disrupt the canonical splice site are expected to cause aberrant splicing, resulting in an abnormal protein or a transcript that is subject to nonsense-mediated mRNA decay. However, loss of function of ALK has not been clearly established as a mechanism of disease. Since supporting evidence is limited at this time, the clinical significance of this alteration remains unclear.

NM_004304.5(ALK):c.3450+2T>C

Gene: ALK (ALK receptor tyrosine kinase; minus strand). Cytogenetic location: 2p23.2.
Variant type: single nucleotide variant.
Coding change: c.3450+2T>C on transcript NM_004304.5 (MANE Select); the canonical splice donor site of the intron after coding-DNA position 3450, T replaced by C.
Molecular consequence: splice donor variant.
Genome position (GRCh38, 1-based): chr2:29,222,515, A>G on the plus strand (T>C on the coding strand, the complement: ALK is on the minus strand). VCF-style: chr2-29222515-A-G. GRCh37 (hg19) VCF-style: chr2-29445381-A-G.
Other names: c.246+2T>C (NM_001353765.2).
Identifiers: ClinVar variation 1731563 (VCV001731563.2), dbSNP rs1573123487, ClinGen allele CA346463484.
Genomic context (GRCh38, chr2:29,222,515, plus strand): 5'-GAGAACTGCAGCCTACAGAGTCCGCAAGCCAAGGGCAGGCTCAAGAGTGAGCCACTTCTT[A>G]CCTTCACAGCCACTTGCAGGGGGCTTGGGTCGTTGGGCATTCCGGACACCTGGCCTTCAT-3'